The following is an entry in ClinVar:

NM_004525.3(LRP2):c.5113G>C (p.Ala1705Pro)

Gene: LRP2 (LDL receptor related protein 2; minus strand). Cytogenetic location: 2q31.1.
Variant type: single nucleotide variant.
Coding change: c.5113G>C on transcript NM_004525.3 (MANE Select); coding-DNA position 5113, G replaced by C.
Protein change: p.Ala1705Pro; replaces alanine 1705 with proline.
Molecular consequence: missense variant.
Genome position (GRCh38, 1-based): chr2:169,231,828, C>G on the plus strand (G>C on the coding strand, the complement: LRP2 is on the minus strand). VCF-style: chr2-169231828-C-G. GRCh37 (hg19) VCF-style: chr2-170088338-C-G.
Other names: c.5113G>C (NM_004525.2); short protein forms A1705P.
Identifiers: ClinVar variation 1398366 (VCV001398366.7), dbSNP rs193082017, ClinGen allele CA59910335.

ClinVar aggregate classification (germline): Uncertain significance. Review status: criteria provided, multiple submitters, no conflicts (2 of 4 stars). 4 submissions from 4 submitters: Uncertain significance (4). Last evaluated 2025-02-01.

Conditions:
Donnai-Barrow syndrome. Also called: DBS/FOAR SYNDROME; FACIOOCULOACOUSTICORENAL SYNDROME. Identifiers: Orphanet 2143, MedGen C1857277, MONDO:0009104, OMIM 222448.
Inborn genetic diseases. Identifiers: MedGen C0950123, MeSH D030342.

Allele frequency attached by ClinVar (database versions not stated): gnomAD exomes below 0.00001 and 0.00001; TOPMed 0.00001.
gnomAD v4.1: 23 of 1,613,972 alleles (0.0014%); highest among the groups gnomAD compares: Middle Eastern, 0.033%; 1 homozygote.

Submissions (4):

Labcorp Genetics (formerly Invitae), Labcorp
Classification: Uncertain significance. Last evaluated: 2025-02-01. Review status: criteria provided, single submitter. Criteria: Invitae Variant Classification Sherloc (09022015). Collection method: clinical testing. Allele origin: germline.
Comment: This sequence change replaces alanine, which is neutral and non-polar, with proline, which is neutral and non-polar, at codon 1705 of the LRP2 protein (p.Ala1705Pro). This variant is present in population databases (rs193082017, gnomAD 0.007%). This variant has not been reported in the literature in individuals affected with LRP2-related conditions. ClinVar contains an entry for this variant (Variation ID: 1398366). An algorithm developed to predict the effect of missense changes on protein structure and function (PolyPhen-2) suggests that this variant¬†is likely to be tolerated. Algorithms developed to predict the effect of sequence changes on RNA splicing suggest that this variant may disrupt the consensus splice site. In summary, the available evidence is currently insufficient to determine the role of this variant in disease. Therefore, it has been classified as a Variant of Uncertain Significance.

Blueprint Genetics
Classification: Uncertain significance. Last evaluated: 2024-08-06. Review status: criteria provided, single submitter. Criteria: ACMG Guidelines, 2015. Collection method: clinical testing. Allele origin: germline.

Fulgent Genetics
Classification: Uncertain significance for Donnai-Barrow syndrome. Last evaluated: 2022-01-02. Review status: criteria provided, single submitter. Criteria: ACMG Guidelines, 2015. Collection method: clinical testing. Allele origin: unknown.

Ambry Genetics
Classification: Uncertain significance for Inborn genetic diseases. Last evaluated: 2021-10-13. Review status: criteria provided, single submitter. Criteria: Ambry Variant Classification Scheme 2023. Collection method: clinical testing. Allele origin: germline.